The following is an entry in ClinVar:

ClinVar aggregate classification (germline): Uncertain significance (1 of 4 stars; one submission).

Conditions:
Deficiency of hyaluronoglucosaminidase (MPS9). Also called: MPS IX; Mucopolysaccharidosis type 9; HYALURONIDASE DEFICIENCY. Identifiers: Orphanet 67041, MedGen C1291490, MONDO:0011093, OMIM 601492.

Allele frequency attached by ClinVar (database versions not stated): gnomAD exomes below 0.00001; gnomAD 0.00001.

Submission:

Labcorp Genetics (formerly Invitae), Labcorp
Classification: Uncertain significance for Deficiency of hyaluronoglucosaminidase. Last evaluated: 2025-10-01. Review status: criteria provided, single submitter. Criteria: Invitae Variant Classification Sherloc (09022015). Collection method: clinical testing. Allele origin: germline.
Comment: This variant, c.1144_1146del, results in the deletion of 1 amino acid(s) of the HYAL1 protein (p.Leu382del), but otherwise preserves the integrity of the reading frame. This variant is not present in population databases (gnomAD no frequency). This variant has not been reported in the literature in individuals affected with HYAL1-related conditions. ClinVar contains an entry for this variant (Variation ID: 2154567). Experimental studies and prediction algorithms are not available or were not evaluated, and the functional significance of this variant is currently unknown. In summary, the available evidence is currently insufficient to determine the role of this variant in disease. Therefore, it has been classified as a Variant of Uncertain Significance.

NM_033159.4(HYAL1):c.1144_1146del (p.Leu382del)

Gene: HYAL1 (hyaluronidase 1; minus strand). Cytogenetic location: 3p21.31.
Variant type: Deletion.
Coding change: c.1144_1146del on transcript NM_033159.4 (MANE Select); coding-DNA positions 1144 to 1146, 3 bases deleted (CTT; older notation c.1144_1146delCTT).
Protein change: p.Leu382del; deletes leucine 382.
Molecular consequence: inframe deletion. On other transcripts: inframe indel (1), non-coding transcript variant (1).
Genome position (GRCh38, 1-based): chr3:50,300,645-50,300,647, AAG deleted on the plus strand (CTT on the coding strand, the reverse complement: HYAL1 is on the minus strand). VCF-style (leftmost placement, unchanged base first): chr3-50300644-TAAG-T. GRCh37 (hg19) VCF-style: chr3-50338075-TAAG-T.
Other names: c.1144_1146delCTT, p.Leu382del (NM_007312.3); c.1144_1146del, p.Leu382del (NM_153281.2); c.1054_1056del, p.Leu352del (NM_153282.3); c.598_600del, p.Leu200del (NM_153283.3); c.367_369del, p.Leu123del (NM_153285.3); short protein forms L123del, L200del, L382del, L352del.
Identifiers: ClinVar variation 2154567 (VCV002154567.2), dbSNP rs1559816345, ClinGen allele CA916890967.